The following is an entry in ClinVar:

NM_015046.7(SETX):c.2124T>C (p.Ser708=)

Gene: SETX (senataxin; minus strand). Cytogenetic location: 9q34.13.
Variant type: single nucleotide variant.
Coding change: c.2124T>C on transcript NM_015046.7 (MANE Select); coding-DNA position 2124, T replaced by C.
Protein change: p.Ser708=; no amino-acid change (serine 708 retained).
Molecular consequence: synonymous variant.
Genome position (GRCh38, 1-based): chr9:132,329,474, A>G on the plus strand (T>C on the coding strand, the complement: SETX is on the minus strand). VCF-style: chr9-132329474-A-G. GRCh37 (hg19) VCF-style: chr9-135204861-A-G.
Other names: p.Ser708=; c.2124T>C, p.Ser708= (NM_001351527.2, NM_001351528.2).
Identifiers: ClinVar variation 536398 (VCV000536398.46), dbSNP rs139236924, ClinGen allele CA5297662.

ClinVar aggregate classification (germline): Conflicting classifications of pathogenicity. Review status: criteria provided, conflicting classifications (1 of 4 stars). 6 submissions from 6 submitters: Uncertain significance (1); Benign (1); Likely benign (4). Last evaluated 2025-12-08.

Conditions:
Hereditary spastic paraplegia. Also called: Familial spastic paraparesis. Identifiers: Orphanet 685, MedGen C0037773, MONDO:0019064. Disease mechanism: loss of function.
Inborn genetic diseases. Identifiers: MedGen C0950123, MeSH D030342.
Spinocerebellar ataxia, autosomal recessive, with axonal neuropathy 2 (SCAN2). Also called: Ataxia-ocular apraxia-2; Ataxia with Oculomotor Apraxia; Ataxia with Oculomotor Apraxia Type 2; ATAXIA-OCULOMOTOR APRAXIA 2. Identifiers: Orphanet 64753, MedGen C1853761, MONDO:0018996, OMIM 606002.
Amyotrophic lateral sclerosis type 4 (ALS4). Also called: AMYOTROPHIC LATERAL SCLEROSIS 4, JUVENILE; NEURONOPATHY, DISTAL HEREDITARY MOTOR, WITH PYRAMIDAL FEATURES. Identifiers: Orphanet 357043, MedGen C1865409, MONDO:0011223, OMIM 602433.

Allele frequency attached by ClinVar (database versions not stated): gnomAD exomes 0.00021; ExAC 0.00031; gnomAD 0.00085 and 0.00093; TOPMed 0.00103; ESP Exome Variant Server 0.00123; 1000 Genomes Project 0.00140; 1000 Genomes Project 30x 0.00156.
gnomAD v4.1: 232 of 1,612,480 alleles (0.014%); highest among the groups gnomAD compares: African/African-American, 0.28%; 1 homozygote.

Submissions (6):

Labcorp Genetics (formerly Invitae), Labcorp
Classification: Benign for Amyotrophic lateral sclerosis type 4; Spinocerebellar ataxia, autosomal recessive, with axonal neuropathy 2. Last evaluated: 2025-12-08. Review status: criteria provided, single submitter. Criteria: Invitae Variant Classification Sherloc (09022015). Collection method: clinical testing. Allele origin: germline.

Mayo Clinic Laboratories, Mayo Clinic
Classification: Likely benign. Last evaluated: 2025-04-29. Review status: criteria provided, single submitter. Criteria: ACMG Guidelines, 2015. Collection method: clinical testing. Allele origin: germline. Observed: 1 variant allele.
Comment: BS1, BP4, BP7

CeGaT Center for Human Genetics Tuebingen
Classification: Likely benign. Last evaluated: 2023-10-01. Review status: criteria provided, single submitter. Criteria: CeGaT Center For Human Genetics Tuebingen Variant Classification Criteria Version 2. Collection method: clinical testing. Allele origin: germline. Affected: yes. Observed: 1 variant allele.
Comment: SETX: BP4, BP7

Blueprint Genetics
Classification: Likely benign. Last evaluated: 2023-04-03. Review status: criteria provided, single submitter. Criteria: ACMG Guidelines, 2015. Collection method: clinical testing. Allele origin: germline.

Ambry Genetics
Classification: Likely benign for Inborn genetic diseases. Last evaluated: 2019-07-11. Review status: criteria provided, single submitter. Criteria: Ambry Variant Classification Scheme 2023. Collection method: clinical testing. Allele origin: germline.

Genome Diagnostics Laboratory, The Hospital for Sick Children
Classification: Uncertain significance for Hereditary spastic paraplegia. Last evaluated: 2018-11-01. Review status: criteria provided, single submitter. Criteria: ACMG Guidelines, 2015. Collection method: clinical testing. Allele origin: germline. Affected: yes.